The following is an entry in ClinVar:

NM_000368.5(TSC1):c.1533T>C (p.Ser511=)

Gene: TSC1 (TSC complex subunit 1; minus strand). Cytogenetic location: 9q34.13.
Variant type: single nucleotide variant.
Coding change: c.1533T>C on transcript NM_000368.5 (MANE Select); coding-DNA position 1533, T replaced by C.
Protein change: p.Ser511=; no amino-acid change (serine 511 retained).
Molecular consequence: synonymous variant.
Genome position (GRCh38, 1-based): chr9:132,906,045, A>G on the plus strand (T>C on the coding strand, the complement: TSC1 is on the minus strand). VCF-style: chr9-132906045-A-G. GRCh37 (hg19) VCF-style: chr9-135781432-A-G.
Other names: c.1530T>C, p.Ser510= (NM_001162426.2); c.1380T>C, p.Ser460= (NM_001162427.2); c.1170T>C, p.Ser390= (NM_001362177.2).
Identifiers: ClinVar variation 758322 (VCV000758322.12), dbSNP rs1588310849, ClinGen allele CA467591119.

ClinVar aggregate classification (germline): Benign/Likely benign. Review status: criteria provided, multiple submitters, no conflicts (2 of 4 stars). 4 submissions from 4 submitters: Benign (1); Likely benign (3). Last evaluated 2025-10-29.

Conditions:
Tuberous sclerosis 1 (TSC1). Identifiers: Orphanet 805, MedGen C1854465, MONDO:0008612, OMIM 191100.
Hereditary cancer-predisposing syndrome. Also called: Tumor predisposition; Hereditary Cancer Syndrome; Neoplastic Syndromes, Hereditary; Hereditary neoplastic syndrome. Identifiers: Orphanet 140162, MedGen C0027672, MeSH D009386, MONDO:0015356.
Tuberous sclerosis syndrome (TSC). Also called: Tuberous Sclerosis Complex; Tuberous sclerosis. Identifiers: Orphanet 805, MedGen C0041341, MONDO:0001734.

Submissions (4):

Labcorp Genetics (formerly Invitae), Labcorp
Classification: Likely benign for Tuberous sclerosis 1. Last evaluated: 2025-10-29. Review status: criteria provided, single submitter. Criteria: Invitae Variant Classification Sherloc (09022015). Collection method: clinical testing. Allele origin: germline.

Myriad Genetics, Inc.
Classification: Benign for Tuberous sclerosis 1. Last evaluated: 2025-04-09. Review status: criteria provided, single submitter. Criteria: Myriad Autosomal Dominant, Autosomal Recessive and X-Linked Classification Criteria (2023). Collection method: clinical testing. Allele origin: unknown.
Comment: This variant is considered benign. This variant is a silent/synonymous amino acid change and it is not expected to impact splicing.

All of Us Research Program, National Institutes of Health
Classification: Likely benign for Tuberous sclerosis syndrome. Last evaluated: 2023-07-10. Review status: criteria provided, single submitter. Criteria: ACMG Guidelines, 2015. Collection method: clinical testing. Allele origin: germline. Inheritance: Autosomal dominant inheritance. Observed: 1 variant allele, 1 heterozygote.
Comment: This study involves interpretation of variants in research participants for the purpose of population health screening. Participant phenotype was not available at the time of variant classification. Additional details can be found in publication PMID: 35346344, PMCID: PMC8962531

Ambry Genetics
Classification: Likely benign for Hereditary cancer-predisposing syndrome. Last evaluated: 2021-03-01. Review status: criteria provided, single submitter. Criteria: Ambry Variant Classification Scheme 2023. Collection method: clinical testing. Allele origin: germline.